The following is an entry in ClinVar:

NM_000091.5(COL4A3):c.3579del (p.Asp1193fs)

Genes: COL4A3 (collagen type IV alpha 3 chain; plus strand), MFF-DT (MFF divergent transcript; minus strand). Cytogenetic location: 2q36.3.
Variant type: Deletion.
Coding change: c.3579del on transcript NM_000091.5 (MANE Select); coding-DNA position 3579, one base deleted (C; older notation c.3579delC).
Protein change: p.Asp1193fs; shifts the reading frame from aspartic acid 1193.
Molecular consequence: frameshift variant.
Genome position (GRCh38, 1-based): chr2:227,297,687, C deleted. VCF-style (leftmost placement, unchanged base first): chr2-227297686-AC-A. GRCh37 (hg19) VCF-style: chr2-228162402-AC-A.
Other names: short protein forms D1193fs.
Identifiers: ClinVar variation 5013765 (VCV005013765.1).

ClinVar aggregate classification (germline): Pathogenic (1 of 4 stars; one submission).

Conditions:
Alport syndrome. Also called: Hemorrhagic familial nephritis; Hemorrhagic hereditary nephritis; Congenital hereditary hematuria. Identifiers: Orphanet 63, MedGen C1567741, MONDO:0018965.

Submission:

Myriad Genetics, Inc.
Classification: Pathogenic for Alport syndrome. Last evaluated: 2024-11-18. Review status: criteria provided, single submitter. Criteria: Myriad Autosomal Dominant, Autosomal Recessive and X-Linked Classification Criteria (2023). Collection method: clinical testing. Allele origin: unknown.
Comment: NM_000091.4(COL4A3):c.3579delC(D1193Efs*28) is expected to be pathogenic in the context of Alport syndrome, COL4A3-related. This variant is predicted to lead to an abnormal or absent protein product due to the creation of a premature termination codon in COL4A3, a gene where loss-of-function variants are known to be pathogenic. Please note: this variant was assessed in the context of healthy population screening.